The following is an entry in ClinVar:

ClinVar aggregate classification (germline): Likely benign. Review status: criteria provided, multiple submitters, no conflicts (2 of 4 stars). 2 submissions from 2 submitters: Likely benign (2). Last evaluated 2025-03-18.

Allele frequency attached by ClinVar (database versions not stated): ExAC 0.00001.
gnomAD v4.1: 33 of 1,558,858 alleles (0.0021%); highest among the groups gnomAD compares: Admixed American, 0.0055%; no homozygotes.

Submissions (2):

Labcorp Genetics (formerly Invitae), Labcorp
Classification: Likely benign. Last evaluated: 2025-03-18. Review status: criteria provided, single submitter. Criteria: Invitae Variant Classification Sherloc (09022015). Collection method: clinical testing. Allele origin: germline.

CeGaT Center for Human Genetics Tuebingen
Classification: Likely benign. Last evaluated: 2023-01-01. Review status: criteria provided, single submitter. Criteria: CeGaT Center For Human Genetics Tuebingen Variant Classification Criteria Version 2. Collection method: clinical testing. Allele origin: germline. Affected: yes. Observed: 1 variant allele.
Comment: AHDC1: BP4, BP7

NM_001371928.1(AHDC1):c.174C>T (p.Ser58=)

Gene: AHDC1 (AT-hook DNA binding motif containing 1; minus strand). Cytogenetic location: 1p36.11.
Variant type: single nucleotide variant.
Coding change: c.174C>T on transcript NM_001371928.1 (MANE Select); coding-DNA position 174, C replaced by T.
Protein change: p.Ser58=; no amino-acid change (serine 58 retained).
Molecular consequence: synonymous variant.
Genome position (GRCh38, 1-based): chr1:27,551,942, G>A on the plus strand (C>T on the coding strand, the complement: AHDC1 is on the minus strand). VCF-style: chr1-27551942-G-A. GRCh37 (hg19) VCF-style: chr1-27878453-G-A.
Other names: c.174C>T, p.Ser58= (NM_001029882.3).
Identifiers: ClinVar variation 1914739 (VCV001914739.29), dbSNP rs759070023, ClinGen allele CA716211.